The following is an entry in ClinVar:

NM_000038.6(APC):c.6033A>G (p.Ser2011=)

Gene: APC (APC regulator of Wnt signaling pathway; plus strand). Cytogenetic location: 5q22.2.
Variant type: single nucleotide variant.
Coding change: c.6033A>G on transcript NM_000038.6 (MANE Select); coding-DNA position 6033, A replaced by G.
Protein change: p.Ser2011=; no amino-acid change (serine 2011 retained).
Molecular consequence: synonymous variant.
Genome position (GRCh38, 1-based): chr5:112,841,627, A>G. VCF-style: chr5-112841627-A-G. GRCh37 (hg19) VCF-style: chr5-112177324-A-G.
Other names: c.6033A>G, p.Ser2011= (NM_001127510.3, NM_001354895.2); c.5979A>G, p.Ser1993= (NM_001127511.3); c.6087A>G, p.Ser2029= (NM_001354896.2); c.6063A>G, p.Ser2021= (NM_001354897.2); c.5958A>G, p.Ser1986= (NM_001354898.2); c.5949A>G, p.Ser1983= (NM_001354899.2); c.5910A>G, p.Ser1970= (NM_001354900.2); c.5856A>G, p.Ser1952= (NM_001354901.2); and 5 more.
Identifiers: ClinVar variation 928430 (VCV000928430.16), dbSNP rs750703971, ClinGen allele CA446210159.

ClinVar aggregate classification (germline): Benign/Likely benign. Review status: criteria provided, multiple submitters, no conflicts (2 of 4 stars). 5 submissions from 5 submitters: Benign (1); Likely benign (4). Last evaluated 2025-08-13.

Conditions:
Classic or attenuated familial adenomatous polyposis. Identifiers: MedGen CN372698, MONDO:0021057.
Hereditary cancer-predisposing syndrome. Also called: Neoplastic Syndromes, Hereditary; Hereditary Cancer Syndrome; Tumor predisposition; Hereditary neoplastic syndrome. Identifiers: Orphanet 140162, MedGen C0027672, MeSH D009386, MONDO:0015356.
Familial adenomatous polyposis 1 (FAP1). Also called: FAMILIAL ADENOMATOUS POLYPOSIS 1, ATTENUATED; POLYPOSIS, ADENOMATOUS INTESTINAL. Identifiers: MedGen C2713442, MONDO:0021056, OMIM 175100. Disease mechanism: loss of function.

Allele frequency attached by ClinVar (database versions not stated): TOPMed below 0.00001.
gnomAD v4.1: 1 of 1,613,370 alleles (0.000062%); highest among the groups gnomAD compares: Non-Finnish European, 0.000085%; no homozygotes.

Submissions (5):

Labcorp Genetics (formerly Invitae), Labcorp
Classification: Likely benign for Familial adenomatous polyposis 1. Last evaluated: 2025-08-13. Review status: criteria provided, single submitter. Criteria: Invitae Variant Classification Sherloc (09022015). Collection method: clinical testing. Allele origin: germline.

All of Us Research Program, National Institutes of Health
Classification: Likely benign for Classic or attenuated familial adenomatous polyposis. Last evaluated: 2024-09-12. Review status: criteria provided, single submitter. Criteria: ACMG Guidelines, 2015. Collection method: clinical testing. Allele origin: germline. Inheritance: Autosomal dominant inheritance. Observed: 1 variant allele, 1 heterozygote.
Comment: This study involves interpretation of variants in research participants for the purpose of population health screening. Participant phenotype was not available at the time of variant classification. Additional details can be found in publication PMID: 35346344, PMCID: PMC8962531

Myriad Genetics, Inc.
Classification: Benign for Familial adenomatous polyposis 1. Last evaluated: 2024-04-03. Review status: criteria provided, single submitter. Criteria: Myriad Autosomal Dominant, Autosomal Recessive and X-Linked Classification Criteria (2023). Collection method: clinical testing. Allele origin: unknown.
Comment: This variant is considered benign. This variant is a silent/synonymous amino acid change and it is not expected to impact splicing.

Ambry Genetics
Classification: Likely benign for Hereditary cancer-predisposing syndrome. Last evaluated: 2022-04-18. Review status: criteria provided, single submitter. Criteria: Ambry Variant Classification Scheme 2023. Collection method: clinical testing. Allele origin: germline.

Color Diagnostics, LLC DBA Color Health
Classification: Likely benign for Hereditary cancer-predisposing syndrome. Last evaluated: 2019-10-16. Review status: criteria provided, single submitter. Criteria: ACMG Guidelines, 2015. Collection method: clinical testing. Allele origin: germline.